The following is an entry in ClinVar:

NM_001963.6(EGF):c.1369G>A (p.Val457Ile)

Gene: EGF (epidermal growth factor; plus strand). Cytogenetic location: 4q25.
Variant type: single nucleotide variant.
Coding change: c.1369G>A on transcript NM_001963.6 (MANE Select); coding-DNA position 1369, G replaced by A.
Protein change: p.Val457Ile; replaces valine 457 with isoleucine.
Molecular consequence: missense variant.
Genome position (GRCh38, 1-based): chr4:109,963,229, G>A. VCF-style: chr4-109963229-G-A. GRCh37 (hg19) VCF-style: chr4-110884385-G-A.
Other names: c.1369G>A, p.Val457Ile (NM_001178130.3); c.1243G>A, p.Val415Ile (NM_001178131.3, NM_001357021.2); c.1369G>A (NM_001963.4); short protein forms V415I, V457I.
Identifiers: ClinVar variation 2073505 (VCV002073505.5), dbSNP rs777131517, ClinGen allele CA3043664.

ClinVar aggregate classification (germline): Uncertain significance. Review status: criteria provided, multiple submitters, no conflicts (2 of 4 stars). 2 submissions from 2 submitters: Uncertain significance (2). Last evaluated 2024-04-03.

Allele frequency attached by ClinVar (database versions not stated): ExAC 0.00002; gnomAD 0.00002; TOPMed 0.00001; gnomAD exomes 0.00001.
gnomAD v4.1: 28 of 1,614,014 alleles (0.0017%); highest among the groups gnomAD compares: Non-Finnish European, 0.0013%; 1 homozygote.

Submissions (2):

Labcorp Genetics (formerly Invitae), Labcorp
Classification: Uncertain significance. Last evaluated: 2024-04-03. Review status: criteria provided, single submitter. Criteria: Invitae Variant Classification Sherloc (09022015). Collection method: clinical testing. Allele origin: germline.
Comment: This sequence change replaces valine, which is neutral and non-polar, with isoleucine, which is neutral and non-polar, at codon 457 of the EGF protein (p.Val457Ile). This variant is present in population databases (rs777131517, gnomAD 0.002%). This variant has not been reported in the literature in individuals affected with EGF-related conditions. ClinVar contains an entry for this variant (Variation ID: 2073505). Algorithms developed to predict the effect of missense changes on protein structure and function output the following: SIFT: "Not Available"; PolyPhen-2: "Benign"; Align-GVGD: "Not Available". The isoleucine amino acid residue is found in multiple mammalian species, which suggests that this missense change does not adversely affect protein function. In summary, the available evidence is currently insufficient to determine the role of this variant in disease. Therefore, it has been classified as a Variant of Uncertain Significance.

Ambry Genetics
Classification: Uncertain significance. Last evaluated: 2024-01-03. Review status: criteria provided, single submitter. Criteria: Ambry Variant Classification Scheme 2023. Collection method: clinical testing. Allele origin: germline.